The following is an entry in ClinVar:

ClinVar aggregate classification (germline): Conflicting classifications of pathogenicity. Review status: criteria provided, conflicting classifications (1 of 4 stars). 4 submissions from 4 submitters: Uncertain significance (3); Likely benign (1). Last evaluated 2026-06-17.

Conditions:
Polycystic kidney disease, adult type (PKD1). Also called: Polycystic Kidney Disease 1, Autosomal Dominant; Polycystic kidney disease 1; Polycystic kidney disease 1, severe; Polycystic Kidney, Autosomal Dominant; POLYCYSTIC KIDNEY DISEASE 1 WITH OR WITHOUT POLYCYSTIC LIVER DISEASE; POLYCYSTIC KIDNEY DISEASE, ADULT, TYPE I. Identifiers: MedGen C3149841, MONDO:0008263, OMIM 173900.
Congenital aneurysm of ascending aorta (AAT1). Also called: AORTIC ANEURYSM, FAMILIAL THORACIC 1; ANNULOAORTIC ECTASIA; Aortic aneurysm, thoracic; Familial thoracic aortic aneurysm. Identifiers: Orphanet 229, MedGen C0345050, MONDO:0024559, OMIM 607086.
Inborn genetic diseases. Identifiers: MedGen C0950123, MeSH D030342.

Allele frequency attached by ClinVar (database versions not stated): gnomAD exomes 0.00002; TOPMed 0.00002; gnomAD 0.00001.
gnomAD v4.1: 35 of 1,548,246 alleles (0.0023%); highest among the groups gnomAD compares: African/African-American, 0.0041%; no homozygotes.

Submissions (4):

Ambry Genetics
Classification: Uncertain significance for Inborn genetic diseases. Last evaluated: 2026-06-17. Review status: criteria provided, single submitter. Criteria: Ambry Variant Classification Scheme 2023. Collection method: clinical testing. Allele origin: germline.

Fulgent Genetics
Classification: Uncertain significance for Polycystic kidney disease, adult type. Last evaluated: 2024-03-22. Review status: criteria provided, single submitter. Criteria: ACMG Guidelines, 2015. Collection method: clinical testing. Allele origin: germline.

Petrovsky National Research Centre of Surgery, The Federal Agency for Scientific Organizations
Classification: Uncertain significance for Congenital aneurysm of ascending aorta. Last evaluated: 2023-05-03. Review status: criteria provided, single submitter. Criteria: ACMG Guidelines, 2015. Collection method: clinical testing. Allele origin: germline. Inheritance: Autosomal dominant inheritance. Affected: yes. Observed: 1 heterozygote.
Comment: The c.6952C>T (p.Arg2318Cys) genetic variant in the PKD1 gene is not observed at significant frequency in large population cohorts (gnomAD v4.1.0). Based on this evidence, we consider it to classify this variant as a Variant of Uncertain Significance.

Blueprint Genetics
Classification: Likely benign. Last evaluated: 2022-02-02. Review status: criteria provided, single submitter. Criteria: ACMG Guidelines, 2015. Collection method: clinical testing. Allele origin: germline.

NM_001009944.3(PKD1):c.6952C>T (p.Arg2318Cys)

Gene: PKD1 (polycystin 1, transient receptor potential channel interacting; minus strand). Cytogenetic location: 16p13.3.
Variant type: single nucleotide variant.
Coding change: c.6952C>T on transcript NM_001009944.3 (MANE Select); coding-DNA position 6952, C replaced by T.
Protein change: p.Arg2318Cys; replaces arginine 2318 with cysteine.
Molecular consequence: missense variant.
Genome position (GRCh38, 1-based): chr16:2,107,996, G>A on the plus strand (C>T on the coding strand, the complement: PKD1 is on the minus strand). VCF-style: chr16-2107996-G-A. GRCh37 (hg19) VCF-style: chr16-2157997-G-A.
Other names: p.Arg2318Cys; c.6952C>T, p.Arg2318Cys (NM_000296.4); c.6952C>T (NM_000296.3); short protein forms R2318C.
Identifiers: ClinVar variation 3236333 (VCV003236333.5), dbSNP rs768275494, ClinGen allele CA7831362.
Genomic context (GRCh38, chr16:2,107,996, plus strand): 5'-AGGTGTACTCCACGCCAGCCGCCAGCCGCTCCCGTGGAATGGTGACCGTGCTGCTCCCGC[G>A]GGGCCCAAAGTTCAGCGCACACCCGCCAGCCTCCCTCTGCAGGCCGAGAACAAGGGGCGA-3'
Protein context (NP_001009944.3, residues 2308-2328): AGGCALNFGP[Arg2318Cys]GSSTVTIPRE